The following is an entry in ClinVar:

NM_005055.5(RAPSN):c.271C>T (p.Arg91Cys)

Gene: RAPSN (receptor associated protein of the synapse; minus strand). Cytogenetic location: 11p11.2.
Variant type: single nucleotide variant.
Coding change: c.271C>T on transcript NM_005055.5 (MANE Select); coding-DNA position 271, C replaced by T.
Protein change: p.Arg91Cys; replaces arginine 91 with cysteine.
Molecular consequence: missense variant.
Genome position (GRCh38, 1-based): chr11:47,448,072, G>A on the plus strand (C>T on the coding strand, the complement: RAPSN is on the minus strand). VCF-style: chr11-47448072-G-A. GRCh37 (hg19) VCF-style: chr11-47469624-G-A.
Other names: c.271C>T, p.Arg91Cys (NM_032645.5); short protein forms R91C.
Identifiers: ClinVar variation 381703 (VCV000381703.11), dbSNP rs767507908, ClinGen allele CA5976769.

ClinVar aggregate classification (germline): Likely pathogenic. Review status: criteria provided, multiple submitters, no conflicts (2 of 4 stars). 4 submissions from 4 submitters: Likely pathogenic (4). Last evaluated 2025-09-23.

Conditions:
Fetal akinesia deformation sequence 2. Identifiers: MedGen C4760576, MONDO:0100102, OMIM 618388.
Congenital myasthenic syndrome 11. Also called: Myasthenic syndrome, congenital, 11, associated with acetylcholine receptor deficiency; MYASTHENIC SYNDROME, CONGENITAL, Ie. Identifiers: Orphanet 590, MedGen C4225367, MONDO:0014588, OMIM 616326.
Fetal akinesia deformation sequence 1 (FADS1). Also called: Fetal akinesia sequence; Pena-Shokeir syndrome type I. Identifiers: Orphanet 994, MedGen C1276035, MONDO:0100101, OMIM 208150, HP:0001989.
Congenital myasthenic syndrome (CMS). Also called: Congenital Myasthenic Syndromes. Identifiers: Orphanet 590, MedGen C0751882, MeSH D020294, MONDO:0018940.

Allele frequency attached by ClinVar (database versions not stated): ExAC below 0.00001; TOPMed below 0.00001; gnomAD 0.00001.
gnomAD v4.1: 10 of 1,613,882 alleles (0.00062%); highest among the groups gnomAD compares: African/African-American, 0.0013%; no homozygotes.

Submissions (4):

Natera, Inc.
Classification: Likely pathogenic for Congenital myasthenic syndrome. Last evaluated: 2025-09-23. Review status: criteria provided, single submitter. Criteria: Natera Variant Classification Schema (03/2026). Collection method: clinical testing. Allele origin: germline.
Comment: The c.271C>T variant in RAPSN is a missense variant predicted to cause substitution of arginine to cysteine at amino acid 91. This variant is rare in the general population with a frequency below the threshold expected for the associated phenotype(s). This variant has been observed in one or more individuals affected with the associated recessive disease, as either homozygous or compound heterozygous with a second variant (PMID: 22678886). A different variant at the same position has been determined to be Pathogenic or Likely Pathogenic. Computational prediction algorithms indicate this variant is likely to affect gene or protein function. Given the available evidence, this variant is classified as Likely Pathogenic.

Fulgent Genetics
Classification: Likely pathogenic for Congenital myasthenic syndrome 11; Fetal akinesia deformation sequence 2. Last evaluated: 2024-06-04. Review status: criteria provided, single submitter. Criteria: ACMG Guidelines, 2015. Collection method: clinical testing. Allele origin: germline.

Labcorp Genetics (formerly Invitae), Labcorp
Classification: Likely pathogenic for Congenital myasthenic syndrome 11; Fetal akinesia deformation sequence 1. Last evaluated: 2024-01-11. Review status: criteria provided, single submitter. Criteria: Invitae Variant Classification Sherloc (09022015). Collection method: clinical testing. Allele origin: germline.
Comment: This sequence change replaces arginine, which is basic and polar, with cysteine, which is neutral and slightly polar, at codon 91 of the RAPSN protein (p.Arg91Cys). This variant is not present in population databases (gnomAD no frequency). This missense change has been observed in individual(s) with RAPSN-related conditions (PMID: 22678886, 33502061). ClinVar contains an entry for this variant (Variation ID: 381703). Advanced modeling of protein sequence and biophysical properties (such as structural, functional, and spatial information, amino acid conservation, physicochemical variation, residue mobility, and thermodynamic stability) has been performed at Invitae for this missense variant, however the output from this modeling did not meet the statistical confidence thresholds required to predict the impact of this variant on RAPSN protein function. This variant disrupts the p.Arg91 amino acid residue in RAPSN. Other variant(s) that disrupt this residue have been determined to be pathogenic (PMID: 14504330, 16945936, 31680123; Invitae). This suggests that this residue is clinically significant, and that variants that disrupt this residue are likely to be disease-causing. In summary, the currently available evidence indicates that the variant is pathogenic, but additional data are needed to prove that conclusively. Therefore, this variant has been classified as Likely Pathogenic.

GeneDx
Classification: Likely pathogenic. Last evaluated: 2017-12-26. Review status: criteria provided, single submitter. Criteria: GeneDx Variant Classification (06012015). Collection method: clinical testing. Allele origin: germline. Affected: yes.
Comment: The R91C variant in the RAPSN gene has been reported previously in the homozygous state in an indivdiual with a congenital myasthenic syndrome (Abicht et al., 2012). The R91C variant was not observed in approximately 6,500 individuals of European and African American ancestry in the NHLBI Exome Sequencing Project, indicating it is not a common benign variant in these populations. The R91C variant is a non-conservative amino acid substitution, which is likely to impact secondary protein structure as these residues differ in polarity, charge, size and/or other properties. This substitution occurs at a position that is conserved across species, and in silico analysis predicts this variant is probably damaging to the protein structure/function. In addition, another missense substitution at this residue (R91L) as well as missense variants in nearby residues (N88K, E94K) have been reported in the Human Gene Mutation Database in association with congenital myasthenic syndromes (Stenson et al., 2014), supporting the functional importance of this region of the protein. Therefore, we interpret R91C as strong candidate for a pathogenic variantl; however, the possibility it may be a rare benign variant cannot be completely excluded.

Literature cited by the submitters: PubMed 22678886 (cited by Natera, Inc. and Labcorp Genetics (formerly Invitae), Labcorp); PubMed 33502061 (cited by Labcorp Genetics (formerly Invitae), Labcorp); PubMed 14504330 (cited by Labcorp Genetics (formerly Invitae), Labcorp); PubMed 16945936 (cited by Labcorp Genetics (formerly Invitae), Labcorp); PubMed 31680123 (cited by Labcorp Genetics (formerly Invitae), Labcorp).